The following is an entry in ClinVar:

NM_198834.3(ACACA):c.2786C>T (p.Pro929Leu)

Gene: ACACA (acetyl-CoA carboxylase alpha; minus strand). Cytogenetic location: 17q12.
Variant type: single nucleotide variant.
Coding change: c.2786C>T on transcript NM_198834.3 (MANE Select); coding-DNA position 2786, C replaced by T.
Protein change: p.Pro929Leu; replaces proline 929 with leucine.
Molecular consequence: missense variant.
Genome position (GRCh38, 1-based): chr17:37,243,516, G>A on the plus strand (C>T on the coding strand, the complement: ACACA is on the minus strand). VCF-style: chr17-37243516-G-A. GRCh37 (hg19) VCF-style: chr17-35600432-G-A.
Other names: c.2675C>T, p.Pro892Leu (NM_198836.3, NM_198839.3); c.2501C>T, p.Pro834Leu (NM_198837.2); c.2441C>T, p.Pro814Leu (NM_198838.2); short protein forms P892L, P814L, P929L, P834L.
Identifiers: ClinVar variation 4780606 (VCV004780606.1).

ClinVar aggregate classification (germline): Uncertain significance (1 of 4 stars; one submission).

gnomAD v4.1: 4 of 1,614,044 alleles (0.00025%); highest among the groups gnomAD compares: Non-Finnish European, 0.00034%; no homozygotes.

Submission:

Labcorp Genetics (formerly Invitae), Labcorp
Classification: Uncertain significance. Last evaluated: 2025-12-14. Review status: criteria provided, single submitter. Criteria: Invitae Variant Classification Sherloc (09022015). Collection method: clinical testing. Allele origin: germline.
Comment: This sequence change replaces proline, which is neutral and non-polar, with leucine, which is neutral and non-polar, at codon 892 of the ACACA protein (p.Pro892Leu). This variant is present in population databases (rs61738839, gnomAD 0.0009%). This variant has not been reported in the literature in individuals affected with ACACA-related conditions. An algorithm developed to predict the effect of missense changes on protein structure and function (PolyPhen-2) suggests that this variant is likely to be disruptive. In summary, the available evidence is currently insufficient to determine the role of this variant in disease. Therefore, it has been classified as a Variant of Uncertain Significance.